The following is an entry in ClinVar:

ClinVar aggregate classification (germline): Uncertain significance (1 of 4 stars; one submission).

gnomAD v4.1: 1 of 1,551,698 alleles (0.000064%); highest among the groups gnomAD compares: Non-Finnish European, 0.000087%; no homozygotes.

Submission:

GeneDx
Classification: Uncertain significance. Last evaluated: 2024-05-24. Review status: criteria provided, single submitter. Criteria: GeneDx Variant Classification Process June 2021. Collection method: clinical testing. Allele origin: germline. Affected: yes.
Comment: Not observed at significant frequency in large population cohorts (gnomAD); In silico analysis supports that this missense variant has a deleterious effect on protein structure/function; Has not been previously published as pathogenic or benign to our knowledge

NM_001367479.1(DNAH14):c.2890G>T (p.Asp964Tyr)

Gene: DNAH14 (dynein axonemal heavy chain 14; plus strand). Cytogenetic location: 1q42.12.
Variant type: single nucleotide variant.
Coding change: c.2890G>T on transcript NM_001367479.1 (MANE Select); coding-DNA position 2890, G replaced by T.
Protein change: p.Asp964Tyr; replaces aspartic acid 964 with tyrosine.
Molecular consequence: missense variant.
Genome position (GRCh38, 1-based): chr1:225,080,502, G>T. VCF-style: chr1-225080502-G-T. GRCh37 (hg19) VCF-style: chr1-225268204-G-T.
Other names: NM_001373.1:c.2890G>T; short protein forms D964Y.
Identifiers: ClinVar variation 3381315 (VCV003381315.1).